The following is an entry in ClinVar:

NM_006231.4(POLE):c.4906T>C (p.Tyr1636His)

Gene: POLE (DNA polymerase epsilon, catalytic subunit; minus strand). Cytogenetic location: 12q24.33.
Variant type: single nucleotide variant.
Coding change: c.4906T>C on transcript NM_006231.4 (MANE Select); coding-DNA position 4906, T replaced by C.
Protein change: p.Tyr1636His; replaces tyrosine 1636 with histidine.
Molecular consequence: missense variant.
Genome position (GRCh38, 1-based): chr12:132,642,552, A>G on the plus strand (T>C on the coding strand, the complement: POLE is on the minus strand). VCF-style: chr12-132642552-A-G. GRCh37 (hg19) VCF-style: chr12-133219138-A-G.
Other names: c.4906T>C (NM_006231.2); short protein forms Y1636H.
Identifiers: ClinVar variation 1939905 (VCV001939905.7), dbSNP rs2138534093, ClinGen allele CA387377957.
Genomic context (GRCh38, chr12:132,642,552, plus strand): 5'-AGTACTGTGCTCACCTGCTCATCTCGAAGGCCTGCGACAGGCAGGTGTCCAGGTTGAGGT[A>G]GTGACGGATCATGCGCCGGGCTCCATGGCGCTGCCAGTCCAGGACCCCATAGTTGATCTT-3'
Protein context (NP_006222.2, residues 1626-1646): RHGARRMIRH[Tyr1636His]LNLDTCLSQA

ClinVar aggregate classification (germline): Uncertain significance. Review status: criteria provided, multiple submitters, no conflicts (2 of 4 stars). 2 submissions from 2 submitters: Uncertain significance (2). Last evaluated 2023-04-16.

Conditions:
Hereditary cancer-predisposing syndrome. Also called: Tumor predisposition; Hereditary neoplastic syndrome; Neoplastic Syndromes, Hereditary; Hereditary Cancer Syndrome. Identifiers: Orphanet 140162, MedGen C0027672, MeSH D009386, MONDO:0015356.

Submissions (2):

Ambry Genetics
Classification: Uncertain significance for Hereditary cancer-predisposing syndrome. Last evaluated: 2023-04-16. Review status: criteria provided, single submitter. Criteria: Ambry Variant Classification Scheme 2023. Collection method: clinical testing. Allele origin: germline.
Comment: The p.Y1636H variant (also known as c.4906T>C), located in coding exon 37 of the POLE gene, results from a T to C substitution at nucleotide position 4906. The tyrosine at codon 1636 is replaced by histidine, an amino acid with similar properties. This amino acid position is conserved. In addition, the in silico prediction for this alteration is inconclusive. Since supporting evidence is limited at this time, the clinical significance of this alteration remains unclear.

Labcorp Genetics (formerly Invitae), Labcorp
Classification: Uncertain significance. Last evaluated: 2022-09-22. Review status: criteria provided, single submitter. Criteria: Invitae Variant Classification Sherloc (09022015). Collection method: clinical testing. Allele origin: germline.
Comment: In summary, the available evidence is currently insufficient to determine the role of this variant in disease. Therefore, it has been classified as a Variant of Uncertain Significance. Advanced modeling of protein sequence and biophysical properties (such as structural, functional, and spatial information, amino acid conservation, physicochemical variation, residue mobility, and thermodynamic stability) performed at Invitae indicates that this missense variant is not expected to disrupt POLE protein function. This variant has not been reported in the literature in individuals affected with POLE-related conditions. This variant is not present in population databases (gnomAD no frequency). This sequence change replaces tyrosine, which is neutral and polar, with histidine, which is basic and polar, at codon 1636 of the POLE protein (p.Tyr1636His).